The following continues an entry in ClinVar:

NM_003060.4(SLC22A5):c.136C>T (p.Pro46Ser)

Gene: SLC22A5. ClinVar aggregate classification (germline): Pathogenic/Likely pathogenic. Pathogenic (19); Likely pathogenic (4).

Submissions 15 to 27 of 27:

Genome-Nilou Lab
Classification: Likely pathogenic for Renal carnitine transport defect. Last evaluated: 2021-07-15. Review status: criteria provided, single submitter. Criteria: ACMG Guidelines, 2015. Collection method: clinical testing. Allele origin: germline. Affected: no.

GeneDx
Classification: Pathogenic. Last evaluated: 2020-03-18. Review status: criteria provided, single submitter. Criteria: GeneDx Variant Classification Process June 2021. Collection method: clinical testing. Allele origin: germline. Affected: yes.
Comment: Carnitine transport was significantly decreased in both skin fibroblasts from patients harboring P46S and in CHO cells overexpressing P46S (Frigeni et al., 2017; Rose et al., 2012); In silico analysis, which includes protein predictors and evolutionary conservation, supports a deleterious effect; This variant is associated with the following publications: (PMID: 31980526, 30609409, 21126579, 17126586, 29614331, 29111448, 23430858, 27896095, 26828774, 28711408, 28841266, 23653224, 21922592, 20574985, 20027113, 23520115, 22989098, 23430798, 23963628)

Myriad Genetics, Inc.
Classification: Likely pathogenic for Renal carnitine transport defect. Last evaluated: 2019-12-17. Review status: criteria provided, single submitter. Criteria: Myriad Women's Health Autosomal Recessive and X-Linked Classification Criteria (2019). Collection method: clinical testing. Allele origin: unknown.
Comment: NM_003060.3(SLC22A5):c.136C>T(P46S) is classified as likely pathogenic in the context of primary carnitine deficiency and may be associated with a mild form of this disease. Sources cited for classification include the following: PMID 17126586, 21126579, 20574985, 21922592, 23430798 and 23653224. Classification of NM_003060.3(SLC22A5):c.136C>T(P46S) is based on the following criteria: This variant has been observed more frequently in patients with clinical diagnoses than in healthy populations. Please note: this variant was assessed in the context of healthy population screening.

Illumina Laboratory Services, Illumina
Classification: Pathogenic for Renal carnitine transport defect. Last evaluated: 2018-10-22. Review status: criteria provided, single submitter. Criteria: ICSL Variant Classification Criteria 09 May 2019. Collection method: clinical testing. Allele origin: germline.
Comment: Across a selection of the available literature, the SLC22A5 c.136C>T (p.Pro46Ser) missense variant has been reported in a total of 33 individuals with systemic primary carnitine deficiency, including in a homozygous state in two, in a compound heterozygous state in 25, and in a heterozygous state in six (Li et al. 2010; Filippo et al. 2011; Rose et al. 2012; De Biase et al. 2012; de Boer et al. 2013; Rasmussen et al. 2014). Control data are unavailable for this variant, which is reported at a frequency of 0.00093 in the European (non-Finnish) population of the Exome Aggregation Consortium. When expressed in CHO cells, the p.Pro46Ser variant protein had reduced carnitine transport compared to wild type and was largely retained in the cytoplasm rather than being found at the plasma membrane (Filippo et al. 2011). Consistent with the residual transport activity, the variant appears to be associated with a milder phenotype and is commonly found in asymptomatic individuals; at least 11 of the 25 compound heterozygous probands reported here were asymptomatic. Based on the collective evidence, the p.Pro46Ser variant is classified as pathogenic for systemic primary carnitine deficiency. This variant was observed by ICSL as part of a predisposition screen in an ostensibly healthy population.

Eurofins Ntd Llc (ga)
Classification: Pathogenic. Last evaluated: 2017-08-22. Review status: criteria provided, single submitter. Criteria: EGL Classification Definitions 2015. Collection method: clinical testing. Allele origin: germline. Observed: 20 variant alleles, 20 heterozygotes.

Center for Pediatric Genomic Medicine, Children's Mercy Hospital and Clinics
Classification: Likely pathogenic. Last evaluated: 2017-05-24. Review status: criteria provided, single submitter. Criteria: ACMG Guidelines, 2015. Collection method: clinical testing. Allele origin: germline.

Women's Health and Genetics/Laboratory Corporation of America, LabCorp
Classification: Pathogenic for Renal carnitine transport defect. Last evaluated: 2017-03-31. Review status: criteria provided, single submitter. Criteria: LabCorp Variant Classification Summary - May 2015. Collection method: clinical testing. Allele origin: germline.
Comment: Variant summary: The SLC22A5 c.136C>T (p.Pro46Ser) variant located in an extracellular loop close to putative glycosylation sites (Filippo_2011) involves the alteration of a conserved nucleotide and 4/4 in silico tools (SNPs&GO not captured due to low reliability index) predict a damaging outcome. These in silico predictions are confirmed via multiple functional studies, Rose_2012 and Filipp_2011, that indicate the variant to "impair glycosylation and maturation of OCTN2 transporters to the plasma membrane." The variant of interest was observed in 55/99736 control chromosomes at a frequency of 0.0005515, which does not exceed the estimated maximal expected allele frequency of a pathogenic SLC22A5 variant (0.0045644). Multiple publications have cited the variant in both asymptomatic mothers and symptomatic patients, although indicated to have a mild phenotype (easy fatigability, muscle pain with exercise, fasting tolerance). In addition, multiple clinical diagnostic laboratories/reputable databases classified this variant as pathogenic. Taken together, this variant is classified as pathogenic.

Laboratory for Molecular Medicine, Mass General Brigham Personalized Medicine
Classification: Pathogenic for Renal carnitine transport defect. Last evaluated: 2016-06-06. Review status: criteria provided, single submitter. Criteria: LMM Criteria. Collection method: clinical testing. Allele origin: germline. Inheritance: Autosomal recessive inheritance. Observed: 1 variant allele.
Comment: The p.Pro46Ser variant in SLC22A5 has been reported in at least 10 individuals w ith primary carnitine deficiency in the compound heterozygous state (Schimmenti 2007, di San Filippo 2011, Rasmussen 2014). The phenotypic spectrum ranges from easy fatigability, cardiac arrhythmias, and fasting intolerance to asymptomatic adults. This variant has also been identified 0.05% (55/99,736) of chromosomes b y the Exome Aggregation Consortium (ExAC; dbSNP rs202088921). In vitro functional studies also provide evidence that the p.Pro4 6Ser variant may impact protein function (di San Filippo 2011). In summary, this variant meets our criteria to be classified as pathogenic for primary carnitine deficiency in an autosomal recessive manner based upon its identification in tr ans with other disease-associated variants in patients and functional impact.

ARUP Laboratories, Molecular Genetics and Genomics, ARUP Laboratories
Classification: Pathogenic for Renal carnitine transport defect. Review status: criteria provided, single submitter. Criteria: ARUP Molecular Germline Variant Investigation Process 2024. Collection method: clinical testing. Allele origin: germline.
Comment: The SLC22A5 c.136C>T; p.Pro46Ser variant (rs202088921) is reported in the literature in a homozygous or compound heterozygous state in multiple individuals with primary carnitine deficiency (de Boer 2013, Filippo 2011, Frigeni 2017, Rasmussen 2014, Schimmenti 2007). Functional analyses of the variant protein show reduced transport to the cell membrane and substantially reduced carnitine transport activity (Filippo 2011, Frigeni 2017, Rose 2012). This variant is reported as pathogenic by multiple laboratories in ClinVar (Variation ID: 193250), and it is found in the general population at a frequency of 0.04% (118/275568 alleles) in the Genome Aggregation Database. The proline at codon 46 is highly conserved, and computational analyses predict that this variant is deleterious (REVEL: 0.899). Based on available information, this variant is considered to be pathogenic. References: de Boer L et al. Primary Carnitine (OCTN2) Deficiency Without Neonatal Carnitine Deficiency. JIMD Rep. 2013;10:39-40. Filippo CA et al. Glycosylation of the OCTN2 carnitine transporter: study of natural mutations identified in patients with primary carnitine deficiency. Biochim Biophys Acta. 2011 Mar;1812(3):312-20. Frigeni M et al. Functional and molecular studies in primary carnitine deficiency. Hum Mutat. 2017 Dec;38(12):1684-1699. Rasmussen J et al. Residual OCTN2 transporter activity, carnitine levels and symptoms correlate in patients with primary carnitine deficiency. MGM Reports. 2014 Apr; 1:241-248. Rose EC et al. Genotype-phenotype correlation in primary carnitine deficiency. Hum Mutat. 2012 Jan;33(1):118-23. Schimmenti LA et al. Expanded newborn screening identifies maternal primary carnitine deficiency. Mol Genet Metab. 2007 Apr;90(4):441-5.

Clinical Genetics DNA and cytogenetics Diagnostics Lab, Erasmus MC, Erasmus Medical Center
Classification: Likely pathogenic. Review status: no assertion criteria provided. Collection method: clinical testing. Allele origin: germline. Affected: yes. Study: VKGL Data-share Consensus. Not counted in ClinVar's aggregate classification.

Diagnostic Laboratory, Department of Genetics, University Medical Center Groningen
Classification: Likely pathogenic. Review status: no assertion criteria provided. Collection method: clinical testing. Allele origin: germline. Affected: yes. Study: VKGL Data-share Consensus. Not counted in ClinVar's aggregate classification.

Genome Diagnostics Laboratory, University Medical Center Utrecht
Classification: Pathogenic. Review status: no assertion criteria provided. Collection method: clinical testing. Allele origin: germline. Affected: yes. Study: VKGL Data-share Consensus. Not counted in ClinVar's aggregate classification.

Joint Genome Diagnostic Labs from Nijmegen and Maastricht, Radboudumc and MUMC+
Classification: Pathogenic. Review status: no assertion criteria provided. Collection method: clinical testing. Allele origin: germline. Affected: yes. Study: VKGL Data-share Consensus. Not counted in ClinVar's aggregate classification.

Literature cited by the submitters: PubMed 17126586 (cited by 7 submitters); PubMed 20027113 (cited by Labcorp Genetics (formerly Invitae), Labcorp and Women's Health and Genetics/Laboratory Corporation of America, LabCorp); PubMed 20574985 (cited by 3 submitters); PubMed 23430798 (cited by 5 submitters); PubMed 23430858 (cited by Labcorp Genetics (formerly Invitae), Labcorp and Illumina Laboratory Services, Illumina); PubMed 23963628 (cited by Labcorp Genetics (formerly Invitae), Labcorp and Laboratory for Molecular Medicine, Mass General Brigham Personalized Medicine); PubMed 21126579 (cited by 7 submitters); PubMed 33123633 (cited by Natera, Inc.); PubMed 28841266 (cited by Mayo Clinic Laboratories, Mayo Clinic and Victorian Clinical Genetics Services, Murdoch Childrens Research Institute); PubMed 36343260 (cited by Mayo Clinic Laboratories, Mayo Clinic); PubMed 22989098 (cited by Victorian Clinical Genetics Services, Murdoch Childrens Research Institute); PubMed 21922592 (cited by 4 submitters); PubMed 23653224 (cited by Myriad Genetics, Inc. and Illumina Laboratory Services, Illumina); PubMed 23520115 (cited by Women's Health and Genetics/Laboratory Corporation of America, LabCorp).